The following is an entry in ClinVar:

ClinVar aggregate classification (germline): Uncertain significance (1 of 4 stars; one submission).

Conditions:
Hereditary cancer-predisposing syndrome. Also called: Tumor predisposition; Hereditary Cancer Syndrome; Hereditary neoplastic syndrome; Neoplastic Syndromes, Hereditary. Identifiers: Orphanet 140162, MedGen C0027672, MeSH D009386, MONDO:0015356.
Familial thoracic aortic aneurysm and aortic dissection (TAAD). Also called: Thoracic aortic aneurysms and dissections. Identifiers: Orphanet 91387, MedGen C4707243, MONDO:0019625.

Submission:

Ambry Genetics
Classification: Uncertain significance for Hereditary cancer-predisposing syndrome; Familial thoracic aortic aneurysm and aortic dissection. Last evaluated: 2025-11-03. Review status: criteria provided, single submitter. Criteria: Ambry Variant Classification Scheme 2023. Collection method: clinical testing. Allele origin: germline.
Comment: The p.P275S variant (also known as c.823C>T), located in coding exon 6 of the SMAD4 gene, results from a C to T substitution at nucleotide position 823. The proline at codon 275 is replaced by serine, an amino acid with similar properties. This amino acid position is not well conserved in available vertebrate species. In addition, this alteration is predicted to be tolerated by in silico analysis. Based on the available evidence, the clinical significance of this variant remains unclear.

NM_005359.6(SMAD4):c.823C>T (p.Pro275Ser)

Gene: SMAD4 (SMAD family member 4; plus strand). Cytogenetic location: 18q21.2.
Variant type: single nucleotide variant.
Coding change: c.823C>T on transcript NM_005359.6 (MANE Select); coding-DNA position 823, C replaced by T.
Protein change: p.Pro275Ser; replaces proline 275 with serine.
Molecular consequence: missense variant. On other transcripts: non-coding transcript variant (2).
Genome position (GRCh38, 1-based): chr18:51,058,375, C>T. VCF-style: chr18-51058375-C-T. GRCh37 (hg19) VCF-style: chr18-48584745-C-T.
Other names: c.823C>T, p.Pro275Ser (NM_001407041.1, NM_001407042.1, NM_001407043.1); short protein forms P275S.
Identifiers: ClinVar variation 4558978 (VCV004558978.1).
Genomic context (GRCh38, chr18:51,058,375, plus strand): 5'-AACCCATGTGGGCCTTAATTTTTAGACAGCACTACCACCTGGACTGGAAGTAGGACTGCA[C>T]CATACACACCTAATTTGCCTCACCACCAAAACGGCCATCTTCAGCACCACCCGCCTATGC-3'
Protein context (NP_005350.1, residues 265-285): TTTWTGSRTA[Pro275Ser]YTPNLPHHQN